The following is an entry in ClinVar:

ClinVar aggregate classification (germline): Likely pathogenic (1 of 4 stars; one submission).

Conditions:
Agenesis of the corpus callosum with peripheral neuropathy (ACCPN). Also called: CHARLEVOIX DISEASE; POLYNEUROPATHY, SENSORIMOTOR, WITH OR WITHOUT AGENESIS OF THE CORPUS CALLOSUM; HMSN/ACC; Hereditary Motor and Sensory Neuropathy with Agenesis of the Corpus Callosum. Identifiers: Orphanet 1496, MedGen C0795950, MONDO:0000902, OMIM 218000. Disease mechanism: loss of function.

Submission:

Myriad Genetics, Inc.
Classification: Likely pathogenic for Agenesis of the corpus callosum with peripheral neuropathy. Last evaluated: 2022-02-02. Review status: criteria provided, single submitter. Criteria: Myriad Women's Health Autosomal Recessive and X-Linked Classification Criteria (2021). Collection method: clinical testing. Allele origin: unknown.
Comment: NM_133647.1(SLC12A6):c.2430_2431delTGinsA(E811Sfs*4) is expected to be pathogenic in the context of Andermann syndrome. This variant is predicted to lead to an abnormal or absent protein product due to the creation of a premature termination codon in SLC12A6, a gene where loss-of-function variants are known to be pathogenic. Please note: this variant was assessed in the context of healthy population screening.

NM_001365088.1(SLC12A6):c.2430_2431delinsA (p.Glu811fs)

Gene: SLC12A6 (solute carrier family 12 member 6; minus strand). Cytogenetic location: 15q14.
Variant type: Indel.
Coding change: c.2430_2431delinsA on transcript NM_001365088.1 (MANE Select); coding-DNA positions 2430 to 2431, TG replaced by A.
Protein change: p.Glu811fs; shifts the reading frame from glutamic acid 811.
Molecular consequence: frameshift variant.
Genome position (GRCh38, 1-based): chr15:34,240,666-34,240,667, CA replaced by T on the plus strand (TG replaced by A on the coding strand, the reverse complement: SLC12A6 is on the minus strand). VCF-style: chr15-34240666-CA-T. GRCh37 (hg19) VCF-style: chr15-34532867-CA-T.
Other names: c.2253_2254delinsA, p.Glu752fs (NM_001042494.2, NM_001042495.2); c.2403_2404delinsA, p.Glu802fs (NM_001042496.2); c.2385_2386delinsA, p.Glu796fs (NM_001042497.2); c.2277_2278delinsA, p.Glu760fs (NM_005135.2); c.2430_2431delinsA, p.Glu811fs (NM_133647.2); short protein forms E752fs, E760fs, E796fs, E802fs, E811fs.
Identifiers: ClinVar variation 1724225 (VCV001724225.2), dbSNP rs2509761052, ClinGen allele CA2580089284.